The following is an entry in ClinVar:

NM_001033855.3(DCLRE1C):c.1427T>C (p.Val476Ala)

Gene: DCLRE1C (DNA cross-link repair 1C; minus strand). Cytogenetic location: 10p13.
Variant type: single nucleotide variant.
Coding change: c.1427T>C on transcript NM_001033855.3 (MANE Select); coding-DNA position 1427, T replaced by C.
Protein change: p.Val476Ala; replaces valine 476 with alanine.
Molecular consequence: missense variant. On other transcripts: non-coding transcript variant (4).
Genome position (GRCh38, 1-based): chr10:14,909,060, A>G on the plus strand (T>C on the coding strand, the complement: DCLRE1C is on the minus strand). VCF-style: chr10-14909060-A-G. GRCh37 (hg19) VCF-style: chr10-14951059-A-G.
Other names: c.1067T>C, p.Val356Ala (NM_001033857.3, NM_001033858.3, NM_001289077.2 and 2 more transcripts); c.1082T>C, p.Val361Ala (NM_001289076.2, NM_001289078.2, NM_001350966.2 and 1 more transcripts); c.1427T>C, p.Val476Ala (NM_001350965.2); short protein forms V356A, V361A, V476A.
Identifiers: ClinVar variation 658734 (VCV000658734.8), dbSNP rs1588894157, ClinGen allele CA376075619.

ClinVar aggregate classification (germline): Uncertain significance (1 of 4 stars; one submission).

Conditions:
Severe combined immunodeficiency due to DCLRE1C deficiency (RS-SCID). Also called: SCID, AUTOSOMAL RECESSIVE, T CELL-NEGATIVE, B CELL-NEGATIVE, NK CELL-POSITIVE, WITH SENSITIVITY TO IONIZING RADIATION. Identifiers: Orphanet 275, MedGen C1865371, MONDO:0011225, OMIM 602450.

Submission:

Labcorp Genetics (formerly Invitae), Labcorp
Classification: Uncertain significance for Athabaskan severe combined immunodeficiency. Last evaluated: 2018-11-13. Review status: criteria provided, single submitter. Criteria: Invitae Variant Classification Sherloc (09022015). Collection method: clinical testing. Allele origin: germline.
Comment: In summary, the available evidence is currently insufficient to determine the role of this variant in disease. Therefore, it has been classified as a Variant of Uncertain Significance. Algorithms developed to predict the effect of missense changes on protein structure and function output the following: SIFT: "Tolerated"; PolyPhen-2: "Benign"; Align-GVGD: "Class C0". The alanine amino acid residue is found in multiple mammalian species, suggesting that this missense change does not adversely affect protein function. These predictions have not been confirmed by published functional studies and their clinical significance is uncertain. This variant has not been reported in the literature in individuals with DCLRE1C-related disease. This variant is not present in population databases (ExAC no frequency). This sequence change replaces valine with alanine at codon 476 of the DCLRE1C protein (p.Val476Ala). The valine residue is weakly conserved and there is a small physicochemical difference between valine and alanine.